The following is an entry in ClinVar:

ClinVar aggregate classification (germline): Likely pathogenic. Review status: reviewed by expert panel (3 of 4 stars). 2 submissions from 2 submitters: Likely pathogenic (1). 1 of the submissions does not count toward it. Last evaluated 2026-04-27.

Conditions:
Creatine transporter deficiency (CCDS1). Also called: Creatine Transporter (CRTR) Deficiency; CEREBRAL CREATINE DEFICIENCY SYNDROME 1; Mental retardation , X-linked with seizures, short stature and midface hypoplasia; Mental retardation , X-linked, with creatine transport deficiency; X-linked creatine transporter deficiency; X-linked creatine deficiency syndrome. Identifiers: Orphanet 52503, MedGen C1845862, MONDO:0010305, OMIM 300352.

Submissions (2):

ClinGen Cerebral Creatine Deficiency Syndromes Variant Curation Expert Panel, ClinGen
Classification: Likely pathogenic for Creatine transporter deficiency. Last evaluated: 2026-04-27. Review status: reviewed by expert panel. Criteria: ClinGen_CCDS_ACMG_Specifications_SLC6A8_v1.1. Collection method: curation. Allele origin: germline. Inheritance: X-linked inheritance.
Comment: The NM_005629.4:c.1394delG (p.Gly465AlafsTer46) variant in SLC6A8 is a frameshift variant predicted to cause a premature stop codon in biologically-relevant-exon 10/13, leading to nonsense mediated decay in a gene in which loss-of-function is an established disease mechanism (PVS1). This variant is absent in gnomAD v4.1.0 (PM2_Supporting). To our knowledge, this variant has not been previously reported in affected individuals in the literature. There is a ClinVar entry for this variant (Variation ID:666588). The classification of this variant has been upgraded from Variant of Uncertain Significance to Likely Pathogenic based on the recommendations of the ClinGen Sequence Variant Interpretation Working Group, that a variant meeting PVS1 and PM2_Supporting is classified as Likely Pathogenic. In summary, this variant meets the criteria to be classified as Likely Pathogenic for Creatine Transporter Deficiency based on the SLC6A8-specific ACMG/AMP criteria applied, as specified by the ClinGen Cerebral Creatine Deficiency Syndromes Variant Curation Expert Panel (Specifications Version 1.2.0): PVS1, PM2_Supporting. (Classification approved by the ClinGen Cerebral Creatine Deficiency Syndromes Variant Curation Expert Panel, April 27, 2026)

Equipe Genetique des Anomalies du Developpement, Université de Bourgogne
Classification: Likely pathogenic for Creatine transporter deficiency. Last evaluated: 2018-06-19. Review status: criteria provided, single submitter. Criteria: ACMG Guidelines, 2015. Collection method: clinical testing. Allele origin: de novo. Affected: yes. Not counted in ClinVar's aggregate classification.

NC_000023.11:g.153694345del

Gene: SLC6A8 (solute carrier family 6 member 8; plus strand). Cytogenetic location: Xq28.
Variant type: Deletion.
Genome position: GRCh38 VCF-style: chrX-153694342-AG-A. GRCh37 (hg19) VCF-style: chrX-152959797-AG-A.
Identifiers: ClinVar variation 666588 (VCV000666588.5), dbSNP rs1603217468, ClinGen allele CA915952065.